The following is an entry in ClinVar:

ClinVar aggregate classification (germline): Uncertain significance (1 of 4 stars; one submission).

Conditions:
Inborn genetic diseases. Identifiers: MedGen C0950123, MeSH D030342.

gnomAD v4.1: 1 of 1,611,738 alleles (0.000062%); highest among the groups gnomAD compares: African/African-American, 0.0013%; no homozygotes.

Submission:

Ambry Genetics
Classification: Uncertain significance for Inborn genetic diseases. Last evaluated: 2025-05-05. Review status: criteria provided, single submitter. Criteria: Ambry Variant Classification Scheme 2023. Collection method: clinical testing. Allele origin: germline.
Comment: The p.D1261N variant (also known as c.3781G>A), located in coding exon 33 of the RTEL1 gene, results from a G to A substitution at nucleotide position 3781. The aspartic acid at codon 1261 is replaced by asparagine, an amino acid with highly similar properties. This amino acid position is conserved. In addition, this alteration is predicted to be tolerated by in silico analysis. Based on the available evidence, the clinical significance of this variant remains unclear.

NM_001283009.2(RTEL1):c.3781G>A (p.Asp1261Asn)

Genes: RTEL1 (regulator of telomere elongation helicase 1; plus strand), RTEL1-TNFRSF6B (RTEL1-TNFRSF6B readthrough (NMD candidate); plus strand). Cytogenetic location: 20q13.33.
Variant type: single nucleotide variant.
Coding change: c.3781G>A on transcript NM_001283009.2 (MANE Select); coding-DNA position 3781, G replaced by A.
Protein change: p.Asp1261Asn; replaces aspartic acid 1261 with asparagine.
Molecular consequence: missense variant. On other transcripts: non-coding transcript variant (1), intron variant (3).
Genome position (GRCh38, 1-based): chr20:63,695,609, G>A. VCF-style: chr20-63695609-G-A. GRCh37 (hg19) VCF-style: chr20-62326962-G-A.
Other names: c.2983+129G>A (NM_001283010.1); c.3724+129G>A (NM_032957.5); c.3652+129G>A (NM_016434.4); short protein forms D1261N.
Identifiers: ClinVar variation 3948373 (VCV003948373.1).